The following is an entry in ClinVar:

NM_002439.5(MSH3):c.1960G>C (p.Ala654Pro)

Gene: MSH3 (mutS homolog 3; plus strand). Cytogenetic location: 5q14.1.
Variant type: single nucleotide variant.
Coding change: c.1960G>C on transcript NM_002439.5 (MANE Select); coding-DNA position 1960, G replaced by C.
Protein change: p.Ala654Pro; replaces alanine 654 with proline.
Molecular consequence: missense variant.
Genome position (GRCh38, 1-based): chr5:80,767,996, G>C. VCF-style: chr5-80767996-G-C. GRCh37 (hg19) VCF-style: chr5-80063815-G-C.
Other names: short protein forms A654P.
Identifiers: ClinVar variation 1491877 (VCV001491877.8), dbSNP rs2112884356, ClinGen allele CA360277573.
Genomic context (GRCh38, chr5:80,767,996, plus strand): 5'-TCTACCCAAGAGTTCTTCTTGATTGTCAAAACTTTATATCACCTAAAGTCAGAATTTCAA[G>C]CAATAATACCTGCTGTTAATTCCCACATTCAGTCAGACTTGCTCCGGACCGTTATTTTAG-3'
Protein context (NP_002430.3, residues 644-664): TLYHLKSEFQ[Ala654Pro]IIPAVNSHIQ

ClinVar aggregate classification (germline): Uncertain significance (1 of 4 stars; one submission).

Submission:

Labcorp Genetics (formerly Invitae), Labcorp
Classification: Uncertain significance. Last evaluated: 2020-12-07. Review status: criteria provided, single submitter. Criteria: Invitae Variant Classification Sherloc (09022015). Collection method: clinical testing. Allele origin: germline.
Comment: In summary, the available evidence is currently insufficient to determine the role of this variant in disease. Therefore, it has been classified as a Variant of Uncertain Significance. Algorithms developed to predict the effect of missense changes on protein structure and function (SIFT, PolyPhen-2, Align-GVGD) all suggest that this variant is likely to be tolerated, but these predictions have not been confirmed by published functional studies and their clinical significance is uncertain. This variant has not been reported in the literature in individuals with MSH3-related conditions. This variant is not present in population databases (ExAC no frequency). This sequence change replaces alanine with proline at codon 654 of the MSH3 protein (p.Ala654Pro). The alanine residue is moderately conserved and there is a small physicochemical difference between alanine and proline.